The following is an entry in ClinVar:

NM_002335.4(LRP5):c.4001-2A>G

Gene: LRP5 (LDL receptor related protein 5; plus strand). Cytogenetic location: 11q13.2.
Variant type: single nucleotide variant.
Coding change: c.4001-2A>G on transcript NM_002335.4 (MANE Select); the canonical splice acceptor site of the intron before coding-DNA position 4001, A replaced by G.
Molecular consequence: splice acceptor variant.
Genome position (GRCh38, 1-based): chr11:68,436,887, A>G. VCF-style: chr11-68436887-A-G. GRCh37 (hg19) VCF-style: chr11-68204355-A-G.
Other names: c.2258-2A>G (NM_001291902.2).
Identifiers: ClinVar variation 2131020 (VCV002131020.4), dbSNP rs2496891224, ClinGen allele CA381614285.

ClinVar aggregate classification (germline): Likely pathogenic (1 of 4 stars; one submission).

Allele frequency attached by ClinVar (database versions not stated): gnomAD exomes below 0.00001.
gnomAD v4.1: 1 of 1,612,050 alleles (0.000062%); no homozygotes.

Submission:

Labcorp Genetics (formerly Invitae), Labcorp
Classification: Likely pathogenic. Last evaluated: 2022-04-28. Review status: criteria provided, single submitter. Criteria: Invitae Variant Classification Sherloc (09022015). Collection method: clinical testing. Allele origin: germline.
Comment: This sequence change affects an acceptor splice site in intron 18 of the LRP5 gene. It is expected to disrupt RNA splicing. Variants that disrupt the donor or acceptor splice site typically lead to a loss of protein function (PMID: 16199547), and loss-of-function variants in LRP5 are known to be pathogenic (PMID: 11719191, 16252235, 25711638). This variant is not present in population databases (gnomAD no frequency). This variant has not been reported in the literature in individuals affected with LRP5-related conditions. Algorithms developed to predict the effect of sequence changes on RNA splicing suggest that this variant may disrupt the consensus splice site. In summary, the currently available evidence indicates that the variant is pathogenic, but additional data are needed to prove that conclusively. Therefore, this variant has been classified as Likely Pathogenic.

Literature cited by the submitters: PubMed 16199547; PubMed 11719191; PubMed 16252235; PubMed 25711638.